The following is an entry in ClinVar:

NM_020949.3(SLC7A14):c.1304G>A (p.Ser435Asn)

Genes: SLC7A14 (solute carrier family 7 member 14; minus strand), SLC7A14-AS1 (SLC7A14 antisense RNA 1; plus strand). Cytogenetic location: 3q26.2.
Variant type: single nucleotide variant.
Coding change: c.1304G>A on transcript NM_020949.3 (MANE Select); coding-DNA position 1304, G replaced by A.
Protein change: p.Ser435Asn; replaces serine 435 with asparagine.
Molecular consequence: missense variant.
Genome position (GRCh38, 1-based): chr3:170,480,978, C>T on the plus strand (G>A on the coding strand, the complement: SLC7A14 is on the minus strand). VCF-style: chr3-170480978-C-T. GRCh37 (hg19) VCF-style: chr3-170198767-C-T.
Other names: c.1304G>A (NM_020949.2); short protein forms S435N.
Identifiers: ClinVar variation 1025923 (VCV001025923.8), dbSNP rs375366048, ClinGen allele CA2701644.

ClinVar aggregate classification (germline): Uncertain significance. Review status: criteria provided, multiple submitters, no conflicts (2 of 4 stars). 3 submissions from 3 submitters: Uncertain significance (3). Last evaluated 2025-10-29.

Allele frequency attached by ClinVar (database versions not stated): gnomAD 0.00003 and 0.00004; TOPMed 0.00003; gnomAD exomes 0.00004 and 0.00005; ExAC 0.00007; ESP Exome Variant Server 0.00008.

Submissions (3):

Labcorp Genetics (formerly Invitae), Labcorp
Classification: Uncertain significance. Last evaluated: 2025-10-29. Review status: criteria provided, single submitter. Criteria: Invitae Variant Classification Sherloc (09022015). Collection method: clinical testing. Allele origin: germline.
Comment: This sequence change replaces serine, which is neutral and polar, with asparagine, which is neutral and polar, at codon 435 of the SLC7A14 protein (p.Ser435Asn). This variant is present in population databases (rs375366048, gnomAD 0.01%). This variant has not been reported in the literature in individuals affected with SLC7A14-related conditions. ClinVar contains an entry for this variant (Variation ID: 1025923). An algorithm developed to predict the effect of missense changes on protein structure and function (PolyPhen-2) suggests that this variant is likely to be tolerated. In summary, the available evidence is currently insufficient to determine the role of this variant in disease. Therefore, it has been classified as a Variant of Uncertain Significance.

Ambry Genetics
Classification: Uncertain significance. Last evaluated: 2025-04-02. Review status: criteria provided, single submitter. Criteria: Ambry Variant Classification Scheme 2023. Collection method: clinical testing. Allele origin: germline.

Blueprint Genetics
Classification: Uncertain significance. Last evaluated: 2022-08-02. Review status: criteria provided, single submitter. Criteria: ACMG Guidelines, 2015. Collection method: clinical testing. Allele origin: germline.